The following is an entry in ClinVar:

NM_000903.3(NQO1):c.717G>T (p.Met239Ile)

Gene: NQO1 (NAD(P)H quinone dehydrogenase 1; minus strand). Cytogenetic location: 16q22.1.
Variant type: single nucleotide variant.
Coding change: c.717G>T on transcript NM_000903.3 (MANE Select); coding-DNA position 717, G replaced by T.
Protein change: p.Met239Ile; replaces methionine 239 with isoleucine.
Molecular consequence: missense variant.
Genome position (GRCh38, 1-based): chr16:69,711,084, C>A on the plus strand (G>T on the coding strand, the complement: NQO1 is on the minus strand). VCF-style: chr16-69711084-C-A. GRCh37 (hg19) VCF-style: chr16-69744987-C-A.
Other names: c.615G>T, p.Met205Ile (NM_001025433.2); c.603G>T, p.Met201Ile (NM_001025434.2); c.501G>T, p.Met167Ile (NM_001286137.2); short protein forms M167I, M201I, M205I, M239I.
Identifiers: ClinVar variation 1757531 (VCV001757531.3), dbSNP rs892901137, ClinGen allele CA283353133.
Genomic context (GRCh38, chr16:69,711,084, plus strand): 5'-GTGATGGCCCACAGAAAGGCCAAATTTCTTGTTTTTCTCCTCATCCTGTACCTCTTTTTT[C>A]ATTAAGAATCCTGCCTGGAAGTTTAGGTCAAAGAGGCTGCTTGGAGCAAAATACAGTGGT-3'
Protein context (NP_000894.1, residues 229-249): FDLNFQAGFL[Met239Ile]KKEVQDEEKN

ClinVar aggregate classification (germline): Uncertain significance (1 of 4 stars; one submission).

Allele frequency attached by ClinVar (database versions not stated): gnomAD exomes below 0.00001; TOPMed below 0.00001.
gnomAD v4.1: 1 of 1,614,132 alleles (0.000062%); highest among the groups gnomAD compares: Non-Finnish European, 0.000085%; no homozygotes.

Submission:

Ambry Genetics
Classification: Uncertain significance. Last evaluated: 2024-05-25. Review status: criteria provided, single submitter. Criteria: Ambry Variant Classification Scheme 2023. Collection method: clinical testing. Allele origin: germline.
Comment: The p.M239I variant (also known as c.717G>T), located in coding exon 6 of the NQO1 gene, results from a G to T substitution at nucleotide position 717. The methionine at codon 239 is replaced by isoleucine, an amino acid with highly similar properties. This amino acid position is conserved. In addition, this alteration is predicted to be tolerated by in silico analysis. Since supporting evidence is limited at this time, the clinical significance of this alteration remains unclear.